The following is an entry in ClinVar:

NM_001853.4(COL9A3):c.331C>A (p.Pro111Thr)

Gene: COL9A3 (collagen type IX alpha 3 chain; plus strand). Cytogenetic location: 20q13.33.
Variant type: single nucleotide variant.
Coding change: c.331C>A on transcript NM_001853.4 (MANE Select); coding-DNA position 331, C replaced by A.
Protein change: p.Pro111Thr; replaces proline 111 with threonine.
Molecular consequence: missense variant.
Genome position (GRCh38, 1-based): chr20:62,821,202, C>A. VCF-style: chr20-62821202-C-A. GRCh37 (hg19) VCF-style: chr20-61452554-C-A.
Other names: short protein forms P111T.
Identifiers: ClinVar variation 1466331 (VCV001466331.8), dbSNP rs374503994, ClinGen allele CA409588048.
Genomic context (GRCh38, chr20:62,821,202, plus strand): 5'-AGGCCCAGCCCAACCTAGACGCCTGCTTTCCTCCCACAGGGAAGTCTGGGACCCCCGGGG[C>A]CGCCCGGGCTGGGGGTGAGTATGGAGTGTGGTCCTCTCCTCTCCATGGGAGTTTGGGGAG-3'
Protein context (NP_001844.3, residues 101-121): GERGSLGPPG[Pro111Thr]PGLGGKGLPG

ClinVar aggregate classification (germline): Uncertain significance (1 of 4 stars; one submission).

Submission:

Labcorp Genetics (formerly Invitae), Labcorp
Classification: Uncertain significance. Last evaluated: 2025-03-17. Review status: criteria provided, single submitter. Criteria: Invitae Variant Classification Sherloc (09022015). Collection method: clinical testing. Allele origin: germline.
Comment: This sequence change replaces proline, which is neutral and non-polar, with threonine, which is neutral and polar, at codon 111 of the COL9A3 protein (p.Pro111Thr). This variant is not present in population databases (gnomAD no frequency). This variant has not been reported in the literature in individuals affected with COL9A3-related conditions. ClinVar contains an entry for this variant (Variation ID: 1466331). Invitae Evidence Modeling of protein sequence and biophysical properties (such as structural, functional, and spatial information, amino acid conservation, physicochemical variation, residue mobility, and thermodynamic stability) indicates that this missense variant is not expected to disrupt COL9A3 protein function with a negative predictive value of 95%. In summary, the available evidence is currently insufficient to determine the role of this variant in disease. Therefore, it has been classified as a Variant of Uncertain Significance.